The following is an entry in ClinVar:

ClinVar aggregate classification (germline): Benign/Likely benign. Review status: criteria provided, multiple submitters, no conflicts (2 of 4 stars). 5 submissions from 5 submitters: Benign (2); Likely benign (2). 1 of the submissions does not count toward it. Last evaluated 2025-05-27.

Conditions:
EPRS1-related disorder. Also called: EPRS1-related condition.

Allele frequency attached by ClinVar (database versions not stated): gnomAD exomes 0.00021; ExAC 0.00027; 1000 Genomes Project 30x 0.00031; ESP Exome Variant Server 0.00092; TOPMed 0.00097; gnomAD 0.00099 and 0.00107.
gnomAD v4.1: 248 of 1,567,664 alleles (0.016%); highest among the groups gnomAD compares: African/African-American, 0.33%; 1 homozygote.

Submissions (5):

Labcorp Genetics (formerly Invitae), Labcorp
Classification: Benign. Last evaluated: 2025-05-27. Review status: criteria provided, single submitter. Criteria: Invitae Variant Classification Sherloc (09022015). Collection method: clinical testing. Allele origin: germline.

CeGaT Center for Human Genetics Tuebingen
Classification: Likely benign. Last evaluated: 2025-04-01. Review status: criteria provided, single submitter. Criteria: CeGaT Center For Human Genetics Tuebingen Variant Classification Criteria Version 2. Collection method: clinical testing. Allele origin: germline. Affected: yes. Observed: 1 variant allele.
Comment: EPRS1: BP4, BP7

Blueprint Genetics
Classification: Likely benign. Last evaluated: 2023-12-27. Review status: criteria provided, single submitter. Criteria: ACMG Guidelines, 2015. Collection method: clinical testing. Allele origin: germline.

Breakthrough Genomics
Classification: Benign. Review status: criteria provided, single submitter. Criteria: ACMG Guidelines, 2015. Collection method: not provided. Allele origin: germline. Inheritance: Autosomal recessive inheritance. Affected: yes.

PreventionGenetics, part of Exact Sciences
Classification: Likely benign for EPRS1-related condition. Last evaluated: 2019-04-24. Review status: no assertion criteria provided. Collection method: clinical testing. Allele origin: germline. Not counted in ClinVar's aggregate classification.
Comment: This variant is classified as likely benign based on ACMG/AMP sequence variant interpretation guidelines (Richards et al. 2015 PMID: 25741868, with internal and published modifications).

NM_004446.3(EPRS1):c.4077G>A (p.Glu1359=)

Gene: EPRS1 (glutamyl-prolyl-tRNA synthetase 1; minus strand). Cytogenetic location: 1q41.
Variant type: single nucleotide variant.
Coding change: c.4077G>A on transcript NM_004446.3 (MANE Select); coding-DNA position 4077, G replaced by A.
Protein change: p.Glu1359=; no amino-acid change (glutamic acid 1359 retained).
Molecular consequence: synonymous variant.
Genome position (GRCh38, 1-based): chr1:219,978,552, C>T on the plus strand (G>A on the coding strand, the complement: EPRS1 is on the minus strand). VCF-style: chr1-219978552-C-T. GRCh37 (hg19) VCF-style: chr1-220151894-C-T.
Other names: c.4077G>A (NM_004446.2).
Identifiers: ClinVar variation 1680858 (VCV001680858.22), dbSNP rs148984960, ClinGen allele CA1399519.